The following is an entry in ClinVar:

ClinVar aggregate classification (germline): Uncertain significance (1 of 4 stars; one submission).

Submission:

Labcorp Genetics (formerly Invitae), Labcorp
Classification: Uncertain significance. Last evaluated: 2025-01-06. Review status: criteria provided, single submitter. Criteria: Invitae Variant Classification Sherloc (09022015). Collection method: clinical testing. Allele origin: germline.
Comment: This variant, c.811_816del, results in the deletion of two amino acid(s) of the CTNNB1 protein (p.Met271_Ala272del), but otherwise preserves the integrity of the reading frame. This variant is not present in population databases (gnomAD no frequency). This variant has not been reported in the literature in individuals affected with CTNNB1-related conditions. ClinVar contains an entry for this variant (Variation ID: 1368821). In summary, the available evidence is currently insufficient to determine the role of this variant in disease. Therefore, it has been classified as a Variant of Uncertain Significance.

NM_001904.4(CTNNB1):c.811_816del (p.Met271_Ala272del)

Gene: CTNNB1 (catenin beta 1; plus strand). Cytogenetic location: 3p22.1.
Variant type: Deletion.
Coding change: c.811_816del on transcript NM_001904.4 (MANE Select); coding-DNA positions 811 to 816, 6 bases deleted (ATGGCA; older notation c.811_816delATGGCA).
Protein change: p.Met271_Ala272del.
Molecular consequence: inframe deletion.
Genome position (GRCh38, 1-based): chr3:41,225,736-41,225,741, ATGGCA deleted; deleting any 6 consecutive bases within chr3:41,225,735-41,225,741 gives the same sequence; the c. name uses the placement nearest the transcript's 3' end. VCF-style (leftmost placement, unchanged base first): chr3-41225734-AAATGGC-A. GRCh37 (hg19) VCF-style: chr3-41267225-AAATGGC-A.
Other names: c.811_816del, p.Met271_Ala272del (NM_001098209.2, NM_001098210.2); c.790_795del, p.Met264_Ala265del (NM_001330729.2).
Identifiers: ClinVar variation 1368821 (VCV001368821.6), dbSNP rs2125624269, ClinGen allele CA2573136981.